The following is an entry in ClinVar:

ClinVar aggregate classification (germline): Pathogenic (1 of 4 stars; one submission).

gnomAD v4.1: 1 of 1,613,908 alleles (0.000062%); no homozygotes.

Submission:

Labcorp Genetics (formerly Invitae), Labcorp
Classification: Pathogenic. Last evaluated: 2023-01-03. Review status: criteria provided, single submitter. Criteria: Invitae Variant Classification Sherloc (09022015). Collection method: clinical testing. Allele origin: germline.
Comment: For these reasons, this variant has been classified as Pathogenic. This variant has not been reported in the literature in individuals affected with ITGB4-related conditions. This variant is not present in population databases (gnomAD no frequency). This sequence change creates a premature translational stop signal (p.Cys503*) in the ITGB4 gene. It is expected to result in an absent or disrupted protein product. Loss-of-function variants in ITGB4 are known to be pathogenic (PMID: 11328943, 16473856).

Literature cited by the submitters: PubMed 11328943; PubMed 16473856.

NM_000213.5(ITGB4):c.1509C>A (p.Cys503Ter)

Gene: ITGB4 (integrin subunit beta 4; plus strand). Cytogenetic location: 17q25.1.
Variant type: single nucleotide variant.
Coding change: c.1509C>A on transcript NM_000213.5 (MANE Select); coding-DNA position 1509, C replaced by A.
Protein change: p.Cys503Ter; replaces cysteine 503 with a stop codon.
Molecular consequence: nonsense.
Genome position (GRCh38, 1-based): chr17:75,733,544, C>A. VCF-style: chr17-75733544-C-A. GRCh37 (hg19) VCF-style: chr17-73729625-C-A.
Other names: c.1509C>A, p.Cys503Ter (NM_001005619.2, NM_001005731.3, NM_001321123.2); short protein forms C503*.
Identifiers: ClinVar variation 2826115 (VCV002826115.3), dbSNP rs2545754867, ClinGen allele CA401050868.